The following is an entry in ClinVar:

NM_206926.2(SELENON):c.817del (p.Trp273fs)

Gene: SELENON (selenoprotein N; plus strand). Cytogenetic location: 1p36.11.
Variant type: Deletion.
Coding change: c.817del on transcript NM_206926.2 (MANE Select); coding-DNA position 817, one base deleted (T; older notation c.817delT).
Protein change: p.Trp273fs; shifts the reading frame from tryptophan 273.
Molecular consequence: frameshift variant.
Genome position (GRCh38, 1-based): chr1:25,809,729, T deleted; the last of 4 consecutive T bases (chr1:25,809,726-25,809,729); deleting any one gives the same sequence. VCF-style (leftmost placement, unchanged base first): chr1-25809725-CT-C. GRCh37 (hg19) VCF-style: chr1-26136216-CT-C.
Other names: c.919del, p.Trp307fs (NM_020451.3); short protein forms W273fs, W307fs.
Identifiers: ClinVar variation 4732312 (VCV004732312.1).

ClinVar aggregate classification (germline): Pathogenic (1 of 4 stars; one submission).

Conditions:
Eichsfeld type congenital muscular dystrophy (CMYO3). Also called: MYOPATHY, SEPN1-RELATED; Rigid spine muscular dystrophy 1; SELENON-related myopathy; Congenital myopathy 3 with rigid spine. Identifiers: MedGen C0410180, MONDO:0100100, OMIM 602771.

Submission:

Labcorp Genetics (formerly Invitae), Labcorp
Classification: Pathogenic for Eichsfeld type congenital muscular dystrophy. Last evaluated: 2025-12-01. Review status: criteria provided, single submitter. Criteria: Invitae Variant Classification Sherloc (09022015). Collection method: clinical testing. Allele origin: germline.
Comment: This sequence change creates a premature translational stop signal (p.Trp307Glyfs*33) in the SELENON gene. It is expected to result in an absent or disrupted protein product. Loss-of-function variants in SELENON are known to be pathogenic (PMID: 21131290, 21670436). This variant is not present in population databases (gnomAD no frequency). This variant has not been reported in the literature in individuals affected with SELENON-related conditions. Algorithms developed to predict the effect of sequence changes on RNA splicing suggest that this variant may disrupt the consensus splice site. For these reasons, this variant has been classified as Pathogenic.

Literature cited by the submitters: PubMed 21131290; PubMed 21670436.